The following is an entry in ClinVar:

ClinVar aggregate classification (germline): Uncertain significance (1 of 4 stars; one submission).

Conditions:
Acute myeloid leukemia (AML). Also called: Acute myeloid leukemia, adult; AML adult; Acute non-lymphocytic leukemia; Acute granulocytic leukemia; Leukemia, acute myeloid, somatic; Leukemia, acute myelogenous, somatic. Identifiers: Orphanet 519, MedGen C0023467, MeSH D015470, MONDO:0018874, OMIM 601626, HP:0004808. Disease mechanism: Constitutively activated FLT3.

Submission:

Labcorp Genetics (formerly Invitae), Labcorp
Classification: Uncertain significance for Acute myeloid leukemia. Last evaluated: 2023-01-16. Review status: criteria provided, single submitter. Criteria: Invitae Variant Classification Sherloc (09022015). Collection method: clinical testing. Allele origin: germline.
Comment: This sequence change replaces lysine, which is basic and polar, with threonine, which is neutral and polar, at codon 276 of the CEBPA protein (p.Lys276Thr). This variant is not present in population databases (gnomAD no frequency). This variant has not been reported in the literature in individuals affected with CEBPA-related conditions. Advanced modeling of protein sequence and biophysical properties (such as structural, functional, and spatial information, amino acid conservation, physicochemical variation, residue mobility, and thermodynamic stability) performed at Invitae indicates that this missense variant is expected to disrupt CEBPA protein function. In summary, the available evidence is currently insufficient to determine the role of this variant in disease. Therefore, it has been classified as a Variant of Uncertain Significance.

NM_004364.5(CEBPA):c.827A>C (p.Lys276Thr)

Gene: CEBPA (CCAAT enhancer binding protein alpha; minus strand). Cytogenetic location: 19q13.11.
Variant type: single nucleotide variant.
Coding change: c.827A>C on transcript NM_004364.5 (MANE Select); coding-DNA position 827, A replaced by C.
Protein change: p.Lys276Thr; replaces lysine 276 with threonine.
Molecular consequence: missense variant.
Genome position (GRCh38, 1-based): chr19:33,301,588, T>G on the plus strand (A>C on the coding strand, the complement: CEBPA is on the minus strand). VCF-style: chr19-33301588-T-G. GRCh37 (hg19) VCF-style: chr19-33792494-T-G.
Other names: c.470A>C, p.Lys157Thr (NM_001285829.2); c.932A>C, p.Lys311Thr (NM_001287424.2); c.785A>C, p.Lys262Thr (NM_001287435.2); short protein forms K276T, K157T, K262T, K311T.
Identifiers: ClinVar variation 2886106 (VCV002886106.3), dbSNP rs201061067, ClinGen allele CA405274133.